The following is an entry in ClinVar:

ClinVar aggregate classification (germline): Likely benign. Review status: criteria provided, multiple submitters, no conflicts (2 of 4 stars). 3 submissions from 3 submitters: Likely benign (2). 1 of the submissions does not count toward it. Last evaluated 2026-01-09.

Conditions:
NOTCH2-related disorder. Also called: NOTCH2-related condition.
Hajdu-Cheney syndrome (HJCYS). Also called: Acroosteolysis dominant type; ACROOSTEOLYSIS WITH OSTEOPOROSIS AND CHANGES IN SKULL AND MANDIBLE; SERPENTINE FIBULA-POLYCYSTIC KIDNEY SYNDROME. Identifiers: Orphanet 955, MedGen C0917715, MONDO:0007057, OMIM 102500.

Allele frequency attached by ClinVar (database versions not stated): ExAC 0.00001; gnomAD exomes 0.00001 and 0.00002; TOPMed 0.00001; gnomAD 0.00003.
gnomAD v4.1: 28 of 1,613,906 alleles (0.0017%); highest among the groups gnomAD compares: Non-Finnish European, 0.0024%; no homozygotes.

Submissions (3):

Labcorp Genetics (formerly Invitae), Labcorp
Classification: Likely benign for Hajdu-Cheney syndrome. Last evaluated: 2026-01-09. Review status: criteria provided, single submitter. Criteria: Invitae Variant Classification Sherloc (09022015). Collection method: clinical testing. Allele origin: germline.

Laboratory of Genetics, Children's Clinical University Hospital Latvia
Classification: Likely benign. Last evaluated: 2025-02-16. Review status: criteria provided, single submitter. Criteria: ACMG Guidelines, 2015. Collection method: clinical testing. Allele origin: germline. Affected: yes.

PreventionGenetics, part of Exact Sciences
Classification: Likely benign for NOTCH2-related condition. Last evaluated: 2023-06-01. Review status: no assertion criteria provided. Collection method: clinical testing. Allele origin: germline. Not counted in ClinVar's aggregate classification.
Comment: This variant is classified as likely benign based on ACMG/AMP sequence variant interpretation guidelines (Richards et al. 2015 PMID: 25741868, with internal and published modifications).

NM_024408.4(NOTCH2):c.7146G>A (p.Lys2382=)

Gene: NOTCH2 (notch receptor 2; minus strand). Cytogenetic location: 1p12.
Variant type: single nucleotide variant.
Coding change: c.7146G>A on transcript NM_024408.4 (MANE Select); coding-DNA position 7146, G replaced by A.
Protein change: p.Lys2382=; no amino-acid change (lysine 2382 retained).
Molecular consequence: synonymous variant.
Genome position (GRCh38, 1-based): chr1:119,915,576, C>T on the plus strand (G>A on the coding strand, the complement: NOTCH2 is on the minus strand). VCF-style: chr1-119915576-C-T. GRCh37 (hg19) VCF-style: chr1-120458199-C-T.
Other names: c.7146G>A (NM_024408.3).
Identifiers: ClinVar variation 1616924 (VCV001616924.12), dbSNP rs775423271, ClinGen allele CA1039312.
Genomic context (GRCh38, chr1:119,915,576, plus strand): 5'-GGGTGTTCGCTCAGCAGCATTTGAGGAAGCATAACTGTGCTGTGAAGGGGGTGTGGGGTA[C>T]TTGCCCACAGAGGCTGGGAAAGGATGATAGGCTGGGAGAATGGTCTGAGCTACCTGCCCG-3'
Protein context (NP_077719.2, residues 2372-2392): AYHPFPASVG[Lys2382=]YPTPPSQHSY